The following is an entry in ClinVar:

ClinVar aggregate classification (germline): Uncertain significance (1 of 4 stars; one submission).

Conditions:
Hereditary cancer-predisposing syndrome. Also called: Neoplastic Syndromes, Hereditary; Tumor predisposition; Hereditary Cancer Syndrome; Hereditary neoplastic syndrome. Identifiers: Orphanet 140162, MedGen C0027672, MeSH D009386, MONDO:0015356.

Submission:

Ambry Genetics
Classification: Uncertain significance for Hereditary cancer-predisposing syndrome. Last evaluated: 2024-07-29. Review status: criteria provided, single submitter. Criteria: Ambry Variant Classification Scheme 2023. Collection method: clinical testing. Allele origin: germline.
Comment: The p.T41S variant (also known as c.121A>T), located in coding exon 2 of the POT1 gene, results from an A to T substitution at nucleotide position 121. The threonine at codon 41 is replaced by serine, an amino acid with similar properties. This amino acid position is conserved. In addition, this alteration is predicted to be tolerated by in silico analysis. Based on the available evidence, the clinical significance of this variant remains unclear.

NM_015450.3(POT1):c.121A>T (p.Thr41Ser)

Gene: POT1 (protection of telomeres 1; minus strand). Cytogenetic location: 7q31.33.
Variant type: single nucleotide variant.
Coding change: c.121A>T on transcript NM_015450.3 (MANE Select); coding-DNA position 121, A replaced by T.
Protein change: p.Thr41Ser; replaces threonine 41 with serine.
Molecular consequence: missense variant. On other transcripts: 5 prime UTR variant (1), non-coding transcript variant (3).
Genome position (GRCh38, 1-based): chr7:124,892,269, T>A on the plus strand (A>T on the coding strand, the complement: POT1 is on the minus strand). VCF-style: chr7-124892269-T-A. GRCh37 (hg19) VCF-style: chr7-124532323-T-A.
Other names: c.-142A>T (NM_001042594.2); short protein forms T41S.
Identifiers: ClinVar variation 3423109 (VCV003423109.1).